The following is an entry in ClinVar:

ClinVar aggregate classification (germline): Pathogenic. Review status: reviewed by expert panel (3 of 4 stars). 10 submissions from 10 submitters: Pathogenic (1). 9 of the submissions do not count toward it. Last evaluated 2016-09-08.

Conditions:
Hereditary cancer-predisposing syndrome. Also called: Hereditary Cancer Syndrome; Tumor predisposition; Neoplastic Syndromes, Hereditary; Hereditary neoplastic syndrome. Identifiers: Orphanet 140162, MedGen C0027672, MeSH D009386, MONDO:0015356.
Hereditary breast ovarian cancer syndrome. Also called: Breast and ovarian cancer; BRCA1- and BRCA2-Associated Hereditary Breast and Ovarian Cancer; Hereditary breast and ovarian cancer; Hereditary breast and ovarian cancer syndrome (HBOC); Hereditary breast and ovarian cancer syndrome; Hereditary breast and/or ovarian cancer syndrome. Identifiers: Orphanet 145, MedGen C0677776, MeSH D061325, MONDO:0003582. Disease mechanism: loss of function.
Breast-ovarian cancer, familial, susceptibility to, 2 (BROVCA2). Also called: BRCA2 Hereditary Breast and Ovarian Cancer. Identifiers: Orphanet 145, MedGen C2675520, MONDO:0012933, OMIM 612555. Disease mechanism: loss of function.
Familial cancer of breast. Also called: BREAST CANCER, FAMILIAL; hereditary breast carcinoma; Hereditary breast cancer. Identifiers: Orphanet 227535, MedGen C0346153, MONDO:0016419, OMIM 114480. Disease mechanism: loss of function.

Submissions (10):

Evidence-based Network for the Interpretation of Germline Mutant Alleles (ENIGMA)
Classification: Pathogenic for Breast-ovarian cancer, familial, susceptibility to, 2. Last evaluated: 2016-09-08. Review status: reviewed by expert panel. Criteria: ENIGMA BRCA1/2 Classification Criteria (2015). Collection method: curation. Allele origin: germline.
Comment: Variant allele predicted to encode a truncated non-functional protein.

Genomic Medicine Center of Excellence, King Faisal Specialist Hospital and Research Centre
Classification: Pathogenic for Breast-ovarian cancer, familial, susceptibility to, 2. Last evaluated: 2025-09-10. Review status: criteria provided, single submitter. Criteria: ACMG Guidelines, 2015. Collection method: clinical testing. Allele origin: germline. Not counted in ClinVar's aggregate classification.

Labcorp Genetics (formerly Invitae), Labcorp
Classification: Pathogenic for Hereditary breast ovarian cancer syndrome. Last evaluated: 2024-11-04. Review status: criteria provided, single submitter. Criteria: Invitae Variant Classification Sherloc (09022015). Collection method: clinical testing. Allele origin: germline. Not counted in ClinVar's aggregate classification.
Comment: This sequence change creates a premature translational stop signal (p.Lys1406Asnfs*3) in the BRCA2 gene. It is expected to result in an absent or disrupted protein product. Loss-of-function variants in BRCA2 are known to be pathogenic (PMID: 20104584). This variant is not present in population databases (gnomAD no frequency). This premature translational stop signal has been observed in individual(s) with ovarian cancer (PMID: 28541631). This variant is also known as c.4216_4219delAAAG. ClinVar contains an entry for this variant (Variation ID: 51614). For these reasons, this variant has been classified as Pathogenic.

Women's Health and Genetics/Laboratory Corporation of America, LabCorp
Classification: Pathogenic for Hereditary breast ovarian cancer syndrome. Last evaluated: 2024-05-15. Review status: criteria provided, single submitter. Criteria: LabCorp Variant Classification Summary - May 2015. Collection method: clinical testing. Allele origin: germline. Not counted in ClinVar's aggregate classification.
Comment: Variant summary: BRCA2 c.4218_4221delAGAA (p.Lys1406AsnfsX3) results in a premature termination codon, predicted to cause a truncation of the encoded protein or absence of the protein due to nonsense mediated decay, which are commonly known mechanisms for disease. The variant was absent in 236124 control chromosomes. c.4218_4221delAGAA has been reported in the literature in individuals affected with Hereditary Breast And Ovarian Cancer Syndrome (eg. Zhao_2017). ClinVar contains an entry for this variant (Variation ID: 51614). The following publication have been ascertained in the context of this evaluation (PMID: 28541631). Based on the evidence outlined above, the variant was classified as pathogenic.

CeGaT Center for Human Genetics Tuebingen
Classification: Pathogenic. Last evaluated: 2024-05-01. Review status: criteria provided, single submitter. Criteria: CeGaT Center For Human Genetics Tuebingen Variant Classification Criteria Version 2. Collection method: clinical testing. Allele origin: germline. Affected: yes. Observed: 1 variant allele. Not counted in ClinVar's aggregate classification.
Comment: BRCA2: PVS1, PM2, PS4:Moderate

Baylor Genetics
Classification: Pathogenic for Familial cancer of breast. Last evaluated: 2024-02-29. Review status: criteria provided, single submitter. Criteria: ACMG Guidelines, 2015. Collection method: clinical testing. Allele origin: unknown. Not counted in ClinVar's aggregate classification.

Quest Diagnostics Nichols Institute San Juan Capistrano
Classification: Pathogenic. Last evaluated: 2024-02-26. Review status: criteria provided, single submitter. Criteria: Quest Diagnostics criteria. Collection method: clinical testing. Allele origin: unknown. Not counted in ClinVar's aggregate classification.
Comment: The BRCA2 c.4218_4221del (p.Lys1406Asnfs*3) variant alters the translational reading frame of the BRCA2 mRNA and causes the premature termination of BRCA2 protein synthesis. This variant has been reported in the published literature in individuals with ovarian cancer (PMID: 32211327 (2020), 28541631 (2017), 21990299 (2011)). This variant has not been reported in large, multi-ethnic general populations (Genome Aggregation Database). Based on the available information, this variant is classified as pathogenic.

Revvity Omics, Revvity
Classification: Likely pathogenic. Last evaluated: 2024-01-23. Review status: criteria provided, single submitter. Criteria: ACMG Guidelines, 2015. Collection method: clinical testing. Allele origin: germline. Not counted in ClinVar's aggregate classification.

Ambry Genetics
Classification: Pathogenic for Hereditary cancer-predisposing syndrome. Last evaluated: 2023-05-03. Review status: criteria provided, single submitter. Criteria: Ambry Variant Classification Scheme 2023. Collection method: clinical testing. Allele origin: germline. Not counted in ClinVar's aggregate classification.
Comment: The c.4218_4221delAGAA pathogenic mutation, located in coding exon 10 of the BRCA2 gene, results from a deletion of 4 nucleotides at nucleotide positions 4218 to 4221, causing a translational frameshift with a predicted alternate stop codon (p.K1406Nfs*3). This alteration is expected to result in loss of function by premature protein truncation or nonsense-mediated mRNA decay. As such, this alteration is interpreted as a disease-causing mutation.

Breast Cancer Information Core (BIC) (BRCA2)
Classification: Pathogenic for Breast-ovarian cancer, familial 2. Last evaluated: 2003-12-23. Review status: no assertion criteria provided. Collection method: clinical testing. Allele origin: germline. Affected: yes. Observed: 1 variant allele. Not counted in ClinVar's aggregate classification.

Literature cited by the submitters: PubMed 20104584 (cited by Labcorp Genetics (formerly Invitae), Labcorp); PubMed 28541631 (cited by 3 submitters); PubMed 32719484 (cited by Quest Diagnostics Nichols Institute San Juan Capistrano); PubMed 34413315 (cited by Quest Diagnostics Nichols Institute San Juan Capistrano); PubMed 33754277 (cited by Quest Diagnostics Nichols Institute San Juan Capistrano); PubMed 32211327 (cited by Quest Diagnostics Nichols Institute San Juan Capistrano); PubMed 21990299 (cited by Quest Diagnostics Nichols Institute San Juan Capistrano); PubMed 31825140 (cited by Quest Diagnostics Nichols Institute San Juan Capistrano).

NM_000059.4(BRCA2):c.4218_4221del (p.Lys1406fs)

Gene: BRCA2 (BRCA2 DNA repair associated; plus strand). Cytogenetic location: 13q13.1.
Variant type: Deletion.
Coding change: c.4218_4221del on transcript NM_000059.4 (MANE Select); coding-DNA positions 4218 to 4221, 4 bases deleted (AGAA; older notation c.4218_4221delAGAA).
Protein change: p.Lys1406fs; shifts the reading frame from lysine 1406.
Molecular consequence: frameshift variant.
Genome position (GRCh38, 1-based): chr13:32,338,573-32,338,576, AGAA deleted; deleting any 4 consecutive bases within chr13:32,338,571-32,338,576 gives the same sequence; the c. name uses the placement nearest the transcript's 3' end. VCF-style (leftmost placement, unchanged base first): chr13-32338570-TAAAG-T. GRCh37 (hg19) VCF-style: chr13-32912707-TAAAG-T.
Other names: 4446del4; c.4218_4221delAGAA (NM_000059.3); short protein forms K1406fs.
Identifiers: ClinVar variation 51614 (VCV000051614.45), dbSNP rs80359435, ClinGen allele CA019739.
Genomic context (GRCh38, chr13:32,338,570, plus strand): 5'-AGATTTAACTTTTTTGGAAGTTGCGAAAGCTCAAGAAGCATGTCATGGTAATACTTCAAA[TAAAG>T]AACAGTTAACTGCTACTAAAACGGAGCAAAATATAAAAGATTTTGAGACTTCTGATACAT-3'